The following is an entry in ClinVar:

NM_004415.4(DSP):c.6705A>T (p.Glu2235Asp)

Gene: DSP (desmoplakin; plus strand). Cytogenetic location: 6p24.3.
Variant type: single nucleotide variant.
Coding change: c.6705A>T on transcript NM_004415.4 (MANE Select); coding-DNA position 6705, A replaced by T.
Protein change: p.Glu2235Asp; replaces glutamic acid 2235 with aspartic acid.
Molecular consequence: missense variant.
Genome position (GRCh38, 1-based): chr6:7,583,967, A>T. VCF-style: chr6-7583967-A-T. GRCh37 (hg19) VCF-style: chr6-7584200-A-T.
Other names: c.4908A>T, p.Glu1636Asp (NM_001008844.3); c.5376A>T, p.Glu1792Asp (NM_001319034.2); short protein forms E1636D, E1792D, E2235D.
Identifiers: ClinVar variation 1755017 (VCV001755017.2), dbSNP rs753046392, ClinGen allele CA133975194.
Genomic context (GRCh38, chr6:7,583,967, plus strand): 5'-ACCTGTGACCGTCACTGAGCTAGTAGATTCTGGTATATTGAGACCGTCCACTGTCAATGA[A>T]CTGGAATCTGGTCAGATTTCTTATGACGAGGTTGGTGAGAGAATTAAGGACTTCCTCCAG-3'
Protein context (NP_004406.2, residues 2225-2245): SGILRPSTVN[Glu2235Asp]LESGQISYDE

ClinVar aggregate classification (germline): Uncertain significance (1 of 4 stars; one submission).

Conditions:
Cardiovascular phenotype. Identifiers: MedGen CN230736.

Allele frequency attached by ClinVar (database versions not stated): TOPMed below 0.00001; gnomAD exomes 0.00001.
gnomAD v4.1: 10 of 1,614,190 alleles (0.00062%); highest among the groups gnomAD compares: Non-Finnish European, 0.00085%; no homozygotes.

Submission:

Ambry Genetics
Classification: Uncertain significance for Cardiovascular phenotype. Last evaluated: 2019-08-30. Review status: criteria provided, single submitter. Criteria: Ambry Variant Classification Scheme 2023. Collection method: clinical testing. Allele origin: germline.
Comment: The p.E2235D variant (also known as c.6705A>T), located in coding exon 24 of the DSP gene, results from an A to T substitution at nucleotide position 6705. The glutamic acid at codon 2235 is replaced by aspartic acid, an amino acid with highly similar properties. This amino acid position is not well conserved in available vertebrate species, and aspartic acid is the reference amino acid in other vertebrate species. In addition, this alteration is predicted to be tolerated by in silico analysis. Since supporting evidence is limited at this time, the clinical significance of this alteration remains unclear.